The following is an entry in ClinVar:

ClinVar aggregate classification (germline): Uncertain significance (1 of 4 stars; one submission).

Conditions:
Congenital myasthenic syndrome 20. Also called: Myasthenic syndrome, congenital, 20, presynaptic. Identifiers: MedGen C4310694, MONDO:0014939, OMIM 617143.
Neuronopathy, distal hereditary motor, type 7A. Also called: HARPER-YOUNG MYOPATHY; Neuronopathy, distal hereditary motor, type viia; SPINAL MUSCULAR ATROPHY, DISTAL, WITH VOCAL CORD PARALYSIS; HMN VIIA; NEURONOPATHY, DISTAL HEREDITARY MOTOR, HARDING TYPE VIIA; NEUROPATHY, DISTAL HEREDITARY MOTOR, HARDING TYPE VIIA. Identifiers: Orphanet 139589, MedGen C1834703, MONDO:0008024, OMIM 158580.

gnomAD v4.1: 1 of 1,614,210 alleles (0.000062%); highest among the groups gnomAD compares: African/African-American, 0.0013%; no homozygotes.

Submission:

Labcorp Genetics (formerly Invitae), Labcorp
Classification: Uncertain significance for Neuronopathy, distal hereditary motor, type 7A; Congenital myasthenic syndrome 20. Last evaluated: 2024-08-29. Review status: criteria provided, single submitter. Criteria: Invitae Variant Classification Sherloc (09022015). Collection method: clinical testing. Allele origin: germline.
Comment: This sequence change replaces tyrosine, which is neutral and polar, with histidine, which is basic and polar, at codon 224 of the SLC5A7 protein (p.Tyr224His). This variant is not present in population databases (gnomAD no frequency). This variant has not been reported in the literature in individuals affected with SLC5A7-related conditions. Invitae Evidence Modeling of protein sequence and biophysical properties (such as structural, functional, and spatial information, amino acid conservation, physicochemical variation, residue mobility, and thermodynamic stability) indicates that this missense variant is not expected to disrupt SLC5A7 protein function with a negative predictive value of 80%. In summary, the available evidence is currently insufficient to determine the role of this variant in disease. Therefore, it has been classified as a Variant of Uncertain Significance.

NM_021815.5(SLC5A7):c.670T>C (p.Tyr224His)

Gene: SLC5A7 (solute carrier family 5 member 7; plus strand). Cytogenetic location: 2q12.3.
Variant type: single nucleotide variant.
Coding change: c.670T>C on transcript NM_021815.5 (MANE Select); coding-DNA position 670, T replaced by C.
Protein change: p.Tyr224His; replaces tyrosine 224 with histidine.
Molecular consequence: missense variant. On other transcripts: 5 prime UTR variant (1).
Genome position (GRCh38, 1-based): chr2:108,001,969, T>C. VCF-style: chr2-108001969-T-C. GRCh37 (hg19) VCF-style: chr2-108618425-T-C.
Other names: c.670T>C, p.Tyr224His (NM_001305005.3); c.355T>C, p.Tyr119His (NM_001305006.3); c.-72T>C (NM_001305007.3); short protein forms Y119H, Y224H.
Identifiers: ClinVar variation 3749127 (VCV003749127.2).